The following is an entry in ClinVar:

ClinVar aggregate classification (germline): Likely benign (1 of 4 stars; one submission).

Conditions:
Malignant hyperthermia, susceptibility to, 1 (MHS1). Also called: RYR1-Related Malignant Hyperthermia Susceptibility; Anesthesia related hyperthermia; Malignant hyperpyrexia; Fulminating hyperpyrexia; Pharmacogenic myopathy; Malignant hyperthermia suceptibility 1. Identifiers: Orphanet 423, MedGen C2930980, MONDO:0007783, OMIM 145600.

Allele frequency attached by ClinVar (database versions not stated): gnomAD exomes below 0.00001.
gnomAD v4.1: 1 of 1,613,928 alleles (0.000062%); highest among the groups gnomAD compares: Non-Finnish European, 0.000085%; no homozygotes.

Submission:

All of Us Research Program, National Institutes of Health
Classification: Likely benign for Malignant hyperthermia, susceptibility to, 1. Last evaluated: 2022-11-30. Review status: criteria provided, single submitter. Criteria: ACMG Guidelines, 2015. Collection method: clinical testing. Allele origin: germline. Inheritance: Autosomal dominant inheritance. Observed: 1 variant allele, 1 heterozygote.
Comment: This study involves interpretation of variants in research participants for the purpose of population health screening. Participant phenotype was not available at the time of variant classification. Additional details can be found in publication PMID: 35346344, PMCID: PMC8962531

NM_000540.3(RYR1):c.14970-6C>T

Gene: RYR1 (ryanodine receptor 1; plus strand). Cytogenetic location: 19q13.2.
Variant type: single nucleotide variant.
Coding change: c.14970-6C>T on transcript NM_000540.3 (MANE Select); 6 bases into the intron before coding-DNA position 14970, C replaced by T.
Molecular consequence: intron variant.
Genome position (GRCh38, 1-based): chr19:38,586,519, C>T. VCF-style: chr19-38586519-C-T. GRCh37 (hg19) VCF-style: chr19-39077159-C-T.
Other names: c.14955-6C>T (NM_001042723.2).
Identifiers: ClinVar variation 3069330 (VCV003069330.1), dbSNP rs2514782386, ClinGen allele CA2584911630.
Genomic context (GRCh38, chr19:38,586,519, plus strand): 5'-ATAAATGAAAAATAAAATAAGGTAAGGGTGGTTCTGACTTGTCTCCTGTGGTCCTCTCAC[C>T]CTCAGGTTTTTCCTGATGTATTTGATAAACAAGGATGAGACAGAACACACGGGTCAGGTA-3'